The following is an entry in ClinVar:

ClinVar aggregate classification (germline): Uncertain significance (1 of 4 stars; one submission).

Conditions:
Emery-Dreifuss muscular dystrophy 4, autosomal dominant (EDMD4). Also called: EMERY-DREIFUSS MUSCULAR DYSTROPHY 4 WITH VARIABLE FEATURES. Identifiers: Orphanet 261, MedGen C2751807, MONDO:0013071, OMIM 612998.
Autosomal recessive ataxia, Beauce type. Also called: SYNE1 Deficiency; Spinocerebellar ataxia, autosomal recessive 8; ATAXIA, RECESSIVE, OF BEAUCE; SYNE1-Related Autosomal Recessive Cerebellar Ataxia. Identifiers: Orphanet 88644, MedGen C1853116, MONDO:0012549, OMIM 610743.

Allele frequency attached by ClinVar (database versions not stated): gnomAD exomes below 0.00001.
gnomAD v4.1: 2 of 1,613,736 alleles (0.00012%); highest among the groups gnomAD compares: East Asian, 0.0022%; no homozygotes.

Submission:

Labcorp Genetics (formerly Invitae), Labcorp
Classification: Uncertain significance for Emery-Dreifuss muscular dystrophy 4, autosomal dominant; Autosomal recessive ataxia, Beauce type. Last evaluated: 2022-05-27. Review status: criteria provided, single submitter. Criteria: Invitae Variant Classification Sherloc (09022015). Collection method: clinical testing. Allele origin: germline.
Comment: This variant is present in population databases (no rsID available, gnomAD 0.003%). This sequence change affects codon 6943 of the SYNE1 mRNA. It is a 'silent' change, meaning that it does not change the encoded amino acid sequence of the SYNE1 protein. This variant has not been reported in the literature in individuals affected with SYNE1-related conditions. In summary, the available evidence is currently insufficient to determine the role of this variant in disease. Therefore, it has been classified as a Variant of Uncertain Significance. Algorithms developed to predict the effect of sequence changes on RNA splicing suggest that this variant may create or strengthen a splice site.

NM_182961.4(SYNE1):c.21042C>A (p.Ile7014=)

Gene: SYNE1 (spectrin repeat containing nuclear envelope protein 1; minus strand). Cytogenetic location: 6q25.2.
Variant type: single nucleotide variant.
Coding change: c.21042C>A on transcript NM_182961.4 (MANE Select); coding-DNA position 21042, C replaced by A.
Protein change: p.Ile7014=; no amino-acid change (isoleucine 7014 retained).
Molecular consequence: synonymous variant.
Genome position (GRCh38, 1-based): chr6:152,230,700, G>T on the plus strand (C>A on the coding strand, the complement: SYNE1 is on the minus strand). VCF-style: chr6-152230700-G-T. GRCh37 (hg19) VCF-style: chr6-152551835-G-T.
Other names: c.20829C>A, p.Ile6943= (NM_033071.5).
Identifiers: ClinVar variation 2126759 (VCV002126759.4), dbSNP rs1173906140, ClinGen allele CA452750504.
Genomic context (GRCh38, chr6:152,230,700, plus strand): 5'-CAGACATTGTACATTATTTTCATATTCTGACCAAGATTCCAATAAGCCTTCCAACAGCTG[G>T]ATCTGAACAAACACAATAAAATGAAATTTGCAACTTTATTTTAATAAAATCAAATCATTA-3'
Protein context (NP_892006.3, residues 7004-7024): QILQGLVTEK[Ile7014=]QLLEGLLESW